The following is an entry in ClinVar:

NM_006265.3(RAD21):c.1864G>A (p.Ala622Thr)

Gene: RAD21 (RAD21 cohesin complex component; minus strand). Cytogenetic location: 8q24.11.
Variant type: single nucleotide variant.
Coding change: c.1864G>A on transcript NM_006265.3 (MANE Select); coding-DNA position 1864, G replaced by A.
Protein change: p.Ala622Thr; replaces alanine 622 with threonine.
Molecular consequence: missense variant.
Genome position (GRCh38, 1-based): chr8:116,847,532, C>T on the plus strand (G>A on the coding strand, the complement: RAD21 is on the minus strand). VCF-style: chr8-116847532-C-T. GRCh37 (hg19) VCF-style: chr8-117859771-C-T.
Other names: short protein forms A622T.
Identifiers: ClinVar variation 560415 (VCV000560415.11), dbSNP rs775266057, ClinGen allele CA4852673.

ClinVar aggregate classification (germline): Pathogenic. Review status: criteria provided, single submitter (1 of 4 stars). 2 submissions from 2 submitters: Pathogenic (1). 1 of the submissions does not count toward it. Last evaluated 2018-12-13.

Conditions:
Mungan syndrome (MGS). Identifiers: MedGen C1969653, MONDO:0012657, OMIM 611376.

Allele frequency attached by ClinVar (database versions not stated): gnomAD exomes below 0.00001 and 0.00001; ExAC 0.00001.
gnomAD v4.1: 1 of 1,612,808 alleles (0.000062%); highest among the groups gnomAD compares: Non-Finnish European, 0.000085%; no homozygotes.

Submissions (2):

SIB Swiss Institute of Bioinformatics
Classification: Pathogenic for Mungan syndrome. Last evaluated: 2018-12-13. Review status: criteria provided, single submitter. Criteria: ACMG Guidelines, 2015. Collection method: curation. Allele origin: unknown.
Comment: This variant is interpreted as a Pahogenic for Mungan syndrome, autosomal recessive. The following ACMG Tag(s) were applied: PM2 => Absent from controls (or at extremely low frequency if recessive) in Exome Sequencing Project, 1000 Genomes Project, or Exome Aggregation Consortium. PS3 => Well-established functional studies show a deleterious effect (PMID:25575569). PP3 => Multiple lines of computational evidence support a deleterious effect on the gene or gene product. PP1-Strong => PP1 upgraded in strength to Strong (PMID:25575569).

ClinGen:CA4852673

OMIM
Classification: Pathogenic for MUNGAN SYNDROME (1 family). Last evaluated: 2025-09-29. Review status: no assertion criteria provided. Collection method: literature only. Allele origin: germline. Not counted in ClinVar's aggregate classification.

Literature cited by the submitters: PubMed 25575569 (cited by SIB Swiss Institute of Bioinformatics and OMIM); PubMed 14638363 (cited by OMIM).